The following is an entry in ClinVar:

ClinVar aggregate classification (germline): Uncertain significance (0 of 4 stars; one submission).

Conditions:
Papillary renal cell carcinoma type 1 (RCCP1). Also called: RENAL CELL CARCINOMA, PAPILLARY, 1, SOMATIC; Renal adenocarcinoma; Renal cell carcinoma 1; Renal cell carcinoma, somatic. Identifiers: Orphanet 47044, MedGen C1336839, OMIM 605074, HP:0011797.

Submission:

Labcorp Genetics (formerly Invitae), Labcorp
Classification: Uncertain significance for Renal cell carcinoma, papillary, 1. Last evaluated: 2014-06-11. Review status: no assertion criteria provided. Collection method: clinical testing. Allele origin: germline.
Comment: The interpretation for this sequence variant was made by Invitae based on the ACMG guidelines.

NM_000245.4(MET):c.1361A>T (p.Asn454Ile)

Gene: MET (MET proto-oncogene, receptor tyrosine kinase; plus strand). Cytogenetic location: 7q31.2.
Variant type: single nucleotide variant.
Coding change: c.1361A>T on transcript NM_000245.4 (MANE Select); coding-DNA position 1361, A replaced by T.
Protein change: p.Asn454Ile; replaces asparagine 454 with isoleucine.
Molecular consequence: missense variant.
Genome position (GRCh38, 1-based): chr7:116,731,828, A>T. VCF-style: chr7-116731828-A-T. GRCh37 (hg19) VCF-style: chr7-116371882-A-T.
Other names: c.1361A>T, p.Asn454Ile (NM_001127500.3, NM_001324401.3); c.71A>T, p.Asn24Ile (NM_001324402.2); short protein forms N454I, N24I.
Identifiers: ClinVar variation 135959 (VCV000135959.1), dbSNP rs587780734, ClinGen allele CA332661.